The following is an entry in ClinVar:

NM_000081.4(LYST):c.6653C>G (p.Pro2218Arg)

Gene: LYST (lysosomal trafficking regulator; minus strand). Cytogenetic location: 1q42.3.
Variant type: single nucleotide variant.
Coding change: c.6653C>G on transcript NM_000081.4 (MANE Select); coding-DNA position 6653, C replaced by G.
Protein change: p.Pro2218Arg; replaces proline 2218 with arginine.
Molecular consequence: missense variant.
Genome position (GRCh38, 1-based): chr1:235,759,200, G>C on the plus strand (C>G on the coding strand, the complement: LYST is on the minus strand). VCF-style: chr1-235759200-G-C. GRCh37 (hg19) VCF-style: chr1-235922500-G-C.
Other names: c.6653C>G, p.Pro2218Arg (NM_001301365.1); short protein forms P2218R.
Identifiers: ClinVar variation 845003 (VCV000845003.4), dbSNP rs2527806823, ClinGen allele CA344940056.

ClinVar aggregate classification (germline): Uncertain significance (1 of 4 stars; one submission).

Conditions:
Chédiak-Higashi syndrome (CHS). Also called: Chediak-Higashi Syndrome. Identifiers: Orphanet 167, MedGen C0007965, MONDO:0008963, OMIM 214500.

Submission:

Labcorp Genetics (formerly Invitae), Labcorp
Classification: Uncertain significance for Chédiak-Higashi syndrome. Last evaluated: 2023-08-11. Review status: criteria provided, single submitter. Criteria: Invitae Variant Classification Sherloc (09022015). Collection method: clinical testing. Allele origin: germline.
Comment: This sequence change replaces proline, which is neutral and non-polar, with arginine, which is basic and polar, at codon 2218 of the LYST protein (p.Pro2218Arg). This variant is not present in population databases (gnomAD no frequency). This variant has not been reported in the literature in individuals affected with LYST-related conditions. ClinVar contains an entry for this variant (Variation ID: 845003). Advanced modeling of protein sequence and biophysical properties (such as structural, functional, and spatial information, amino acid conservation, physicochemical variation, residue mobility, and thermodynamic stability) performed at Invitae indicates that this missense variant is not expected to disrupt LYST protein function. In summary, the available evidence is currently insufficient to determine the role of this variant in disease. Therefore, it has been classified as a Variant of Uncertain Significance.